The following is an entry in ClinVar:

ClinVar aggregate classification (germline): Uncertain significance (1 of 4 stars; one submission).

Conditions:
Perlman syndrome (PRLMNS). Identifiers: Orphanet 2849, MedGen C0796113, MONDO:0009965, OMIM 267000.

Allele frequency attached by ClinVar (database versions not stated): gnomAD exomes 0.00001; ExAC 0.00003.
gnomAD v4.1: 3 of 1,612,878 alleles (0.00019%); highest among the groups gnomAD compares: South Asian, 0.0033%; no homozygotes.

Submission:

Labcorp Genetics (formerly Invitae), Labcorp
Classification: Uncertain significance for Perlman syndrome. Last evaluated: 2024-05-06. Review status: criteria provided, single submitter. Criteria: Invitae Variant Classification Sherloc (09022015). Collection method: clinical testing. Allele origin: germline.
Comment: This sequence change replaces methionine, which is neutral and non-polar, with isoleucine, which is neutral and non-polar, at codon 628 of the DIS3L2 protein (p.Met628Ile). This variant is present in population databases (rs750799033, gnomAD 0.01%). This variant has not been reported in the literature in individuals affected with DIS3L2-related conditions. ClinVar contains an entry for this variant (Variation ID: 1942963). Advanced modeling of protein sequence and biophysical properties (such as structural, functional, and spatial information, amino acid conservation, physicochemical variation, residue mobility, and thermodynamic stability) performed at Invitae indicates that this missense variant is not expected to disrupt DIS3L2 protein function with a negative predictive value of 80%. In summary, the available evidence is currently insufficient to determine the role of this variant in disease. Therefore, it has been classified as a Variant of Uncertain Significance.

NM_152383.5(DIS3L2):c.1884G>A (p.Met628Ile)

Gene: DIS3L2 (DIS3 like 3'-5' exoribonuclease 2; plus strand). Cytogenetic location: 2q37.1.
Variant type: single nucleotide variant.
Coding change: c.1884G>A on transcript NM_152383.5 (MANE Select); coding-DNA position 1884, G replaced by A.
Protein change: p.Met628Ile; replaces methionine 628 with isoleucine.
Molecular consequence: missense variant. On other transcripts: non-coding transcript variant (2), intron variant (1).
Genome position (GRCh38, 1-based): chr2:232,329,957, G>A. VCF-style: chr2-232329957-G-A. GRCh37 (hg19) VCF-style: chr2-233194667-G-A.
Other names: c.1582-13388G>A (NM_001257281.2); short protein forms M628I.
Identifiers: ClinVar variation 1942963 (VCV001942963.5), dbSNP rs750799033, ClinGen allele CA2164292.